The following is an entry in ClinVar:

NM_005051.3(QARS1):c.1760C>T (p.Ser587Phe)

Gene: QARS1 (glutaminyl-tRNA synthetase 1; minus strand). Cytogenetic location: 3p21.31.
Variant type: single nucleotide variant.
Coding change: c.1760C>T on transcript NM_005051.3 (MANE Select); coding-DNA position 1760, C replaced by T.
Protein change: p.Ser587Phe; replaces serine 587 with phenylalanine.
Molecular consequence: missense variant. On other transcripts: non-coding transcript variant (1).
Genome position (GRCh38, 1-based): chr3:49,098,988, G>A on the plus strand (C>T on the coding strand, the complement: QARS1 is on the minus strand). VCF-style: chr3-49098988-G-A. GRCh37 (hg19) VCF-style: chr3-49136421-G-A.
Other names: c.1727C>T, p.Ser576Phe (NM_001272073.2); short protein forms S587F, S576F.
Identifiers: ClinVar variation 409245 (VCV000409245.17), dbSNP rs144563810, ClinGen allele CA2391640.

ClinVar aggregate classification (germline): Conflicting classifications of pathogenicity. Review status: criteria provided, conflicting classifications (1 of 4 stars). 3 submissions from 3 submitters: Uncertain significance (1); Likely benign (1). 1 of the submissions does not count toward it. Last evaluated 2026-08-24.

Conditions:
QARS1-related disorder. Also called: QARS1-related condition.
Diffuse cerebral and cerebellar atrophy - intractable seizures - progressive microcephaly syndrome. Also called: Microcephaly, progressive, with seizures and cerebral and cerebellar atrophy. Identifiers: Orphanet 404437, MedGen C4014239, MONDO:0014335, OMIM 615760.

Allele frequency attached by ClinVar (database versions not stated): gnomAD exomes 0.00016 and 0.00005; 1000 Genomes Project 0.00060; TOPMed 0.00060; ESP Exome Variant Server 0.00100; 1000 Genomes Project 30x 0.00047; gnomAD 0.00055 and 0.00061; ExAC 0.00021.
gnomAD v4.1: 162 of 1,613,562 alleles (0.01%); highest among the groups gnomAD compares: African/African-American, 0.21%; no homozygotes.

Submissions (3):

GeneDx
Classification: Uncertain significance. Last evaluated: 2026-08-24. Review status: criteria provided, single submitter. Criteria: GeneDx Variant Classification Process June 2021. Collection method: clinical testing. Allele origin: germline.
Comment: In silico analysis supports that this missense variant has a deleterious effect on protein structure/function; Has not been previously published as pathogenic or benign to our knowledge; This variant is associated with the following publications: (PMID: 25471517)

Labcorp Genetics (formerly Invitae), Labcorp
Classification: Likely benign for Diffuse cerebral and cerebellar atrophy - intractable seizures - progressive microcephaly syndrome. Last evaluated: 2025-10-23. Review status: criteria provided, single submitter. Criteria: Invitae Variant Classification Sherloc (09022015). Collection method: clinical testing. Allele origin: germline.

PreventionGenetics, part of Exact Sciences
Classification: Likely benign for QARS1-related condition. Last evaluated: 2024-08-28. Review status: no assertion criteria provided. Collection method: clinical testing. Allele origin: germline. Not counted in ClinVar's aggregate classification.
Comment: This variant is classified as likely benign based on ACMG/AMP sequence variant interpretation guidelines (Richards et al. 2015 PMID: 25741868, with internal and published modifications).